The following is an entry in ClinVar:

NM_001854.4(COL11A1):c.455C>T (p.Pro152Leu)

Gene: COL11A1 (collagen type XI alpha 1 chain; minus strand). Cytogenetic location: 1p21.1.
Variant type: single nucleotide variant.
Coding change: c.455C>T on transcript NM_001854.4 (MANE Select); coding-DNA position 455, C replaced by T.
Protein change: p.Pro152Leu; replaces proline 152 with leucine.
Molecular consequence: missense variant. On other transcripts: non-coding transcript variant (1).
Genome position (GRCh38, 1-based): chr1:103,078,691, G>A on the plus strand (C>T on the coding strand, the complement: COL11A1 is on the minus strand). VCF-style: chr1-103078691-G-A. GRCh37 (hg19) VCF-style: chr1-103544247-G-A.
Other names: c.455C>T, p.Pro152Leu (NM_001190709.2, NM_080629.3, NM_080630.4); short protein forms P152L.
Identifiers: ClinVar variation 4056892 (VCV004056892.1).

ClinVar aggregate classification (germline): Uncertain significance (1 of 4 stars; one submission).

gnomAD v4.1: 1 of 1,613,328 alleles (0.000062%); highest among the groups gnomAD compares: Non-Finnish European, 0.000085%; no homozygotes.

Submission:

GeneDx
Classification: Uncertain significance. Last evaluated: 2025-01-02. Review status: criteria provided, single submitter. Criteria: GeneDx Variant Classification Process June 2021. Collection method: clinical testing. Allele origin: germline. Affected: yes.
Comment: Has not been previously published as pathogenic or benign to our knowledge